The following is an entry in ClinVar:

NM_001042472.3(ABHD12):c.837C>T (p.Arg279=)

Gene: ABHD12 (abhydrolase domain containing 12, lysophospholipase; minus strand). Cytogenetic location: 20p11.21.
Variant type: single nucleotide variant.
Coding change: c.837C>T on transcript NM_001042472.3 (MANE Select); coding-DNA position 837, C replaced by T.
Protein change: p.Arg279=; no amino-acid change (arginine 279 retained).
Molecular consequence: synonymous variant.
Genome position (GRCh38, 1-based): chr20:25,307,996, G>A on the plus strand (C>T on the coding strand, the complement: ABHD12 is on the minus strand). VCF-style: chr20-25307996-G-A. GRCh37 (hg19) VCF-style: chr20-25288632-G-A.
Other names: p.Arg279=; c.837C>T, p.Arg279= (NM_015600.5).
Identifiers: ClinVar variation 128255 (VCV000128255.27), dbSNP rs6107027, ClinGen allele CA151562.

ClinVar aggregate classification (germline): Benign. Review status: criteria provided, multiple submitters, no conflicts (2 of 4 stars). 11 submissions from 11 submitters: Benign (7). 4 of the submissions do not count toward it. Last evaluated 2026-02-04.

Conditions:
PHARC syndrome. Also called: Polyneuropathy-hearing loss-ataxia-retinitis pigmentosa-cataract syndrome. Identifiers: Orphanet 171848, MedGen C2675204, MONDO:0012984, OMIM 612674.

Allele frequency attached by ClinVar (database versions not stated): 1000 Genomes Project 0.33606; 1000 Genomes Project 30x 0.34447; TOPMed 0.42535; gnomAD 0.42961 and 0.42989; ESP Exome Variant Server 0.43465; ExAC 0.46964; gnomAD exomes 0.47795 and 0.49889.
gnomAD v4.1: 786,528 of 1,599,852 alleles (49%); highest among the groups gnomAD compares: Admixed American, 61%; 203,716 homozygotes.

Submissions (11):

Labcorp Genetics (formerly Invitae), Labcorp
Classification: Benign. Last evaluated: 2026-02-04. Review status: criteria provided, single submitter. Criteria: Invitae Variant Classification Sherloc (09022015). Collection method: clinical testing. Allele origin: germline.

Blueprint Genetics
Classification: Benign. Last evaluated: 2024-11-28. Review status: criteria provided, single submitter. Criteria: ACMG Guidelines, 2015. Collection method: clinical testing. Allele origin: germline.

Mayo Clinic Laboratories, Mayo Clinic
Classification: Benign. Last evaluated: 2022-03-24. Review status: criteria provided, single submitter. Criteria: ACMG Guidelines, 2015. Collection method: clinical testing. Allele origin: germline. Observed: 456 variant alleles.

Genome-Nilou Lab
Classification: Benign for PHARC syndrome. Last evaluated: 2021-07-14. Review status: criteria provided, single submitter. Criteria: ACMG Guidelines, 2015. Collection method: clinical testing. Allele origin: germline. Affected: no.

Illumina Laboratory Services, Illumina
Classification: Benign for PHARC syndrome. Last evaluated: 2018-01-13. Review status: criteria provided, single submitter. Criteria: ICSL Variant Classification Criteria 13 December 2019. Collection method: clinical testing. Allele origin: germline.
Comment: This variant was observed in the ICSL laboratory as part of a predisposition screen in an ostensibly healthy population. It had not been previously curated by ICSL or reported in the Human Gene Mutation Database (HGMD: prior to June 1st, 2018), and was therefore a candidate for classification through an automated scoring system. Utilizing variant allele frequency, disease prevalence and penetrance estimates, and inheritance mode, an automated score was calculated to assess if this variant is too frequent to cause the disease. Based on the score and internal cut-off values, a variant classified as benign is not then subjected to further curation. The score for this variant resulted in a classification of benign for this disease.

GeneDx
Classification: Benign. Last evaluated: 2017-05-09. Review status: criteria provided, single submitter. Criteria: GeneDx Variant Classification (06012015). Collection method: clinical testing. Allele origin: germline. Affected: yes.
Comment: This variant is considered likely benign or benign based on one or more of the following criteria: it is a conservative change, it occurs at a poorly conserved position in the protein, it is predicted to be benign by multiple in silico algorithms, and/or has population frequency not consistent with disease.

Breakthrough Genomics
Classification: Benign. Review status: criteria provided, single submitter. Criteria: ACMG Guidelines, 2015. Collection method: not provided. Allele origin: germline. Inheritance: Autosomal recessive inheritance. Affected: yes.

Clinical Genetics, Academic Medical Center
Classification: Benign. Review status: no assertion criteria provided. Collection method: clinical testing. Allele origin: germline. Affected: yes. Study: VKGL Data-share Consensus. Not counted in ClinVar's aggregate classification.

Diagnostic Laboratory, Department of Genetics, University Medical Center Groningen
Classification: Benign for PHARC syndrome. Review status: no assertion criteria provided. Collection method: clinical testing. Allele origin: germline. Affected: yes. Study: VKGL Data-share Consensus. Not counted in ClinVar's aggregate classification.

Genetic Services Laboratory, University of Chicago
Classification: Likely benign for AllHighlyPenetrant. Review status: no assertion criteria provided. Collection method: clinical testing. Allele origin: germline. Inheritance: Autosomal recessive inheritance. Not counted in ClinVar's aggregate classification.
Comment: Likely benign based on allele frequency in 1000 Genomes Project or ESP global frequency and its presence in a patient with a rare or unrelated disease phenotype. NOT Sanger confirmed.

Joint Genome Diagnostic Labs from Nijmegen and Maastricht, Radboudumc and MUMC+
Classification: Benign. Review status: no assertion criteria provided. Collection method: clinical testing. Allele origin: germline. Affected: yes. Study: VKGL Data-share Consensus. Not counted in ClinVar's aggregate classification.